The following is an entry in ClinVar:

ClinVar aggregate classification (germline): Uncertain significance. Review status: criteria provided, multiple submitters, no conflicts (2 of 4 stars). 2 submissions from 2 submitters: Uncertain significance (2). Last evaluated 2023-12-13.

Conditions:
Inborn genetic diseases. Identifiers: MedGen C0950123, MeSH D030342.
Amyotrophic lateral sclerosis type 1 (ALS1). Also called: AMYOTROPHIC LATERAL SCLEROSIS 1, FAMILIAL. Identifiers: Orphanet 803, MedGen C1862939, MONDO:0007103, OMIM 105400.
Perry syndrome. Also called: PARKINSONISM WITH ALVEOLAR HYPOVENTILATION AND MENTAL DEPRESSION. Identifiers: Orphanet 178509, MedGen C1868594, MONDO:0008201, OMIM 168605.
Neuronopathy, distal hereditary motor, type 7B. Also called: Distal Hereditary Motor Neuronopathy Type 7B (dHMN7B); HMN VIIB; LOWER MOTOR NEURON DISEASE, DYNACTIN TYPE; NEURONOPATHY, DISTAL HEREDITARY MOTOR, AUTOSOMAL DOMINANT 14; NEURONOPATHY, DISTAL HEREDITARY MOTOR, HARDING TYPE VIIB; NEUROPATHY, DISTAL HEREDITARY MOTOR, HARDING TYPE VIIB. Identifiers: Orphanet 139589, MedGen C1843315, MONDO:0011879, OMIM 607641.

Allele frequency attached by ClinVar (database versions not stated): gnomAD exomes below 0.00001.
gnomAD v4.1: 1 of 1,614,198 alleles (0.000062%); highest among the groups gnomAD compares: Non-Finnish European, 0.000085%; no homozygotes.

Submissions (2):

Ambry Genetics
Classification: Uncertain significance for Inborn genetic diseases. Last evaluated: 2023-12-13. Review status: criteria provided, single submitter. Criteria: Ambry Variant Classification Scheme 2023. Collection method: clinical testing. Allele origin: germline.

Labcorp Genetics (formerly Invitae), Labcorp
Classification: Uncertain significance for Amyotrophic lateral sclerosis type 1; Neuronopathy, distal hereditary motor, type 7B; Perry syndrome. Last evaluated: 2017-03-19. Review status: criteria provided, single submitter. Criteria: Invitae Variant Classification Sherloc (09022015). Collection method: clinical testing. Allele origin: germline.
Comment: In summary, this variant is a novel missense change with uncertain impact on protein function. It has been classified as a Variant of Uncertain Significance. Algorithms developed to predict the effect of missense changes on protein structure and function (SIFT, PolyPhen-2, Align-GVGD) all suggest that this variant is likely to be disruptive, but these predictions have not been confirmed by published functional studies. This variant is not present in population databases (ExAC no frequency) and has not been reported in the literature in individuals with a DCTN1-related disease. This sequence change replaces asparagine with histidine at codon 536 of the DCTN1 protein (p.Asn536His). The asparagine residue is highly conserved and there is a small physicochemical difference between asparagine and histidine.

NM_004082.5(DCTN1):c.1606A>C (p.Asn536His)

Gene: DCTN1 (dynactin subunit 1; minus strand). Cytogenetic location: 2p13.1.
Variant type: single nucleotide variant.
Coding change: c.1606A>C on transcript NM_004082.5 (MANE Select); coding-DNA position 1606, A replaced by C.
Protein change: p.Asn536His; replaces asparagine 536 with histidine.
Molecular consequence: missense variant. On other transcripts: non-coding transcript variant (1).
Genome position (GRCh38, 1-based): chr2:74,369,193, T>G on the plus strand (A>C on the coding strand, the complement: DCTN1 is on the minus strand). VCF-style: chr2-74369193-T-G. GRCh37 (hg19) VCF-style: chr2-74596320-T-G.
Other names: c.1546A>C, p.Asn516His (NM_001135040.3); c.1204A>C, p.Asn402His (NM_001135041.3, NM_023019.4); c.1537A>C, p.Asn513His (NM_001378992.1); c.1495A>C, p.Asn499His (NM_001190836.2); c.1585A>C, p.Asn529His (NM_001190837.2); c.1555A>C, p.Asn519His (NM_001378991.1); short protein forms N402H, N499H, N536H, N529H, N516H, N513H, N519H.
Identifiers: ClinVar variation 468258 (VCV000468258.10), dbSNP rs1553464927, ClinGen allele CA347357195.
Genomic context (GRCh38, chr2:74,369,193, plus strand): 5'-TGAAGTCAAAGGTCTCTGGAGGTGGCTGCTGTTGCCTCTCCACAGATGCTTCCTGCTGGT[T>G]TGTCAGTTCCCGATTCACATCCTAGGAGGAGAGACAGTGAAGCACAGCTGGGTCATAAGG-3'
Protein context (NP_004073.2, residues 526-546): HLQDVNRELT[Asn536His]QQEASVERQQ